The following is an entry in ClinVar:

NM_006005.3(WFS1):c.1607T>A (p.Val536Glu)

Gene: WFS1 (wolframin ER transmembrane glycoprotein; plus strand). Cytogenetic location: 4p16.1.
Variant type: single nucleotide variant.
Coding change: c.1607T>A on transcript NM_006005.3 (MANE Select); coding-DNA position 1607, T replaced by A.
Protein change: p.Val536Glu; replaces valine 536 with glutamic acid.
Molecular consequence: missense variant.
Genome position (GRCh38, 1-based): chr4:6,301,402, T>A. VCF-style: chr4-6301402-T-A. GRCh37 (hg19) VCF-style: chr4-6303129-T-A.
Other names: c.1607T>A, p.Val536Glu (NM_001145853.1); short protein forms V536E.
Identifiers: ClinVar variation 432354 (VCV000432354.5), dbSNP rs1553878625, ClinGen allele CA356176227.

ClinVar aggregate classification (germline): Uncertain significance. Review status: criteria provided, multiple submitters, no conflicts (2 of 4 stars). 3 submissions from 3 submitters: Uncertain significance (2). 1 of the submissions does not count toward it. Last evaluated 2024-05-31.

Conditions:
Wolfram syndrome 1 (WFS1). Identifiers: Orphanet 3463, MedGen C4551693, MONDO:0009101, OMIM 222300.

Submissions (3):

Labcorp Genetics (formerly Invitae), Labcorp
Classification: Uncertain significance. Last evaluated: 2024-05-31. Review status: criteria provided, single submitter. Criteria: Invitae Variant Classification Sherloc (09022015). Collection method: clinical testing. Allele origin: germline.
Comment: This sequence change replaces valine, which is neutral and non-polar, with glutamic acid, which is acidic and polar, at codon 536 of the WFS1 protein (p.Val536Glu). This variant is not present in population databases (gnomAD no frequency). This variant has not been reported in the literature in individuals affected with WFS1-related conditions. ClinVar contains an entry for this variant (Variation ID: 432354). Advanced modeling of protein sequence and biophysical properties (such as structural, functional, and spatial information, amino acid conservation, physicochemical variation, residue mobility, and thermodynamic stability) has been performed at Invitae for this missense variant, however the output from this modeling did not meet the statistical confidence thresholds required to predict the impact of this variant on WFS1 protein function. In summary, the available evidence is currently insufficient to determine the role of this variant in disease. Therefore, it has been classified as a Variant of Uncertain Significance.

GeneDx
Classification: Uncertain significance. Last evaluated: 2017-06-05. Review status: criteria provided, single submitter. Criteria: GeneDx Variant Classification (06012015). Collection method: clinical testing. Allele origin: germline. Affected: yes.
Comment: The V536E variant in the WFS1 gene has not been reported previously as a pathogenic variant, nor as a benign variant, to our knowledge. The V536E variant is not observed in large population cohorts (Lek et al., 2016; 1000 Genomes Consortium et al., 2015; Exome Variant Server). The V536E variant is a non-conservative amino acid substitution, which is likely to impact secondary protein structure as these residues differ in polarity, charge, size and/or other properties. This substitution occurs at a position that is conserved across species. In silico analysis predicts this variant is probably damaging to the protein structure/function. We interpret V536E as a variant of uncertain significance.

Clinical Genomics, Uppaluri K&H Personalized Medicine Clinic
Classification: Likely risk allele for Wolfram syndrome 1. Review status: flagged submission. Criteria: K & H Uppaluri Personalized Medicine Clinic Variant Classification & Assertion Criteria_Updated V.1. Collection method: research. Allele origin: unknown. Inheritance: Autosomal recessive inheritance. Not counted in ClinVar's aggregate classification.
Comment: Potent mutations in WFS1 gene are associated with Wolfram's syndrome, an autosomal recessive condition, which cause diabetes mellitus, diabetes insipidus, deafness and optic atrophy. However no sufficient evidence is found to ascertain the role of this particular variant rs1553878625 in Wolfram's syndrome yet.
ClinVar note: Notes: Submitter calls variant "likely risk allele" in evidence summary but says there is insufficient evidence to ascertain the role of the variant in Wolfram's Syndrome.
ClinVar note: Reason: Claim with insufficient supporting evidence

Literature cited by the submitters: PubMed 20738327 (cited by Clinical Genomics, Uppaluri K&H Personalized Medicine Clinic); PubMed 33879153 (cited by Clinical Genomics, Uppaluri K&H Personalized Medicine Clinic); PubMed 12955714 (cited by Clinical Genomics, Uppaluri K&H Personalized Medicine Clinic); PubMed 18060660 (cited by Clinical Genomics, Uppaluri K&H Personalized Medicine Clinic); PubMed 20301750 (cited by Clinical Genomics, Uppaluri K&H Personalized Medicine Clinic); PubMed 17603484 (cited by Clinical Genomics, Uppaluri K&H Personalized Medicine Clinic).